The following is an entry in ClinVar:

ClinVar aggregate classification (germline): Uncertain significance (1 of 4 stars; one submission).

Conditions:
Inborn genetic diseases. Identifiers: MedGen C0950123, MeSH D030342.

Submission:

Ambry Genetics
Classification: Uncertain significance for Inborn genetic diseases. Last evaluated: 2026-08-11. Review status: criteria provided, single submitter. Criteria: Ambry Variant Classification Scheme 2023. Collection method: clinical testing. Allele origin: germline.
Comment: The p.N1637D variant (also known as c.4909A>G), located in coding exon 32 of the ANKRD26 gene, results from an A to G substitution at nucleotide position 4909. The asparagine at codon 1637 is replaced by aspartic acid, an amino acid with highly similar properties. This amino acid position is conserved. In addition, this alteration is predicted to be tolerated by in silico analysis. Based on the available evidence, the clinical significance of this variant remains unclear.

NM_014915.3(ANKRD26):c.4909A>G (p.Asn1637Asp)

Gene: ANKRD26 (ankyrin repeat domain 26; minus strand). Cytogenetic location: 10p12.1.
Variant type: single nucleotide variant.
Coding change: c.4909A>G on transcript NM_014915.3 (MANE Select); coding-DNA position 4909, A replaced by G.
Protein change: p.Asn1637Asp; replaces asparagine 1637 with aspartic acid.
Molecular consequence: missense variant.
Genome position (GRCh38, 1-based): chr10:27,012,926, T>C on the plus strand (A>G on the coding strand, the complement: ANKRD26 is on the minus strand). VCF-style: chr10-27012926-T-C. GRCh37 (hg19) VCF-style: chr10-27301855-T-C.
Other names: c.4906A>G, p.Asn1636Asp (NM_001256053.2); short protein forms N1637D, N1636D.
Identifiers: ClinVar variation 5022720 (VCV005022720.1).